The following is an entry in ClinVar:

NM_001042492.3(NF1):c.1728_1729del (p.Gln576fs)

Gene: NF1 (neurofibromin 1; plus strand). Cytogenetic location: 17q11.2.
Variant type: Deletion.
Coding change: c.1728_1729del on transcript NM_001042492.3 (MANE Select); coding-DNA positions 1728 to 1729, 2 bases deleted (AA; older notation c.1728_1729delAA).
Protein change: p.Gln576fs; shifts the reading frame from glutamine 576.
Molecular consequence: frameshift variant.
Genome position (GRCh38, 1-based): chr17:31,223,450-31,223,451, AA deleted; deleting any 2 consecutive bases within chr17:31,223,449-31,223,451 gives the same sequence; the c. name uses the placement nearest the transcript's 3' end. VCF-style (leftmost placement, unchanged base first): chr17-31223448-CAA-C. GRCh37 (hg19) VCF-style: chr17-29550466-CAA-C.
Other names: c.1728_1729delAA, p.Gln576Hisfs (NM_000267.4); short protein forms Q576fs.
Identifiers: ClinVar variation 966892 (VCV000966892.7), dbSNP rs2066961890, ClinGen allele CA1139665412.
Genomic context (GRCh38, chr17:31,223,448, plus strand): 5'-ATATCTGCATTAGGTTATTGATGATGCTAGTAACAATGAACTTTATGTTACTGCAGCTCA[CAA>C]ATGCTTTTTTACATCTGCAAGAAATTAACTAGTCATCAAATGCTTAGTAGCACAGAAATT-3'

ClinVar aggregate classification (germline): Pathogenic (1 of 4 stars; one submission).

Conditions:
Neurofibromatosis, type 1 (NF1). Also called: Neurofibromatosis, type I; Peripheral type neurofibromatosis; VON RECKLINGHAUSEN DISEASE; NEUROFIBROMATOSIS, TYPE I, SOMATIC. Identifiers: Orphanet 636, MedGen C0027831, MONDO:0018975, OMIM 162200. Disease mechanism: loss of function.

Submission:

Labcorp Genetics (formerly Invitae), Labcorp
Classification: Pathogenic for Neurofibromatosis, type 1. Last evaluated: 2019-11-12. Review status: criteria provided, single submitter. Criteria: Invitae Variant Classification Sherloc (09022015). Collection method: clinical testing. Allele origin: germline.
Comment: This variant has been observed in individual(s) with clinical features of neurofibromatosis type 1 (PMID: 18546366). This variant is not present in population databases (ExAC no frequency). This sequence change creates a premature translational stop signal (p.Gln576Hisfs*11) in the NF1 gene. It is expected to result in an absent or disrupted protein product. Loss-of-function variants in NF1 are known to be pathogenic (PMID: 10712197, 23913538). For these reasons, this variant has been classified as Pathogenic.

Literature cited by the submitters: PubMed 18546366; PubMed 10712197; PubMed 23913538.